The following is an entry in ClinVar:

NM_032638.5(GATA2):c.228C>G (p.His76Gln)

Gene: GATA2 (GATA binding protein 2; minus strand). Cytogenetic location: 3q21.3.
Variant type: single nucleotide variant.
Coding change: c.228C>G on transcript NM_032638.5 (MANE Select); coding-DNA position 228, C replaced by G.
Protein change: p.His76Gln; replaces histidine 76 with glutamine.
Molecular consequence: missense variant.
Genome position (GRCh38, 1-based): chr3:128,486,804, G>C on the plus strand (C>G on the coding strand, the complement: GATA2 is on the minus strand). VCF-style: chr3-128486804-G-C. GRCh37 (hg19) VCF-style: chr3-128205647-G-C.
Other names: c.228C>G, p.His76Gln (NM_001145661.2, NM_001145662.1); short protein forms H76Q.
Identifiers: ClinVar variation 2930106 (VCV002930106.3), dbSNP rs770940723, ClinGen allele CA2600080.

ClinVar aggregate classification (germline): Uncertain significance (1 of 4 stars; one submission).

Conditions:
Deafness-lymphedema-leukemia syndrome. Also called: Emberger syndrome; Lymphedema, primary, with myelodysplasia. Identifiers: Orphanet 3226, MedGen C3279664, MONDO:0013540, OMIM 614038.
Monocytopenia with susceptibility to infections. Also called: GATA2 DEFICIENCY; MONOCYTOPENIA AND MYCOBACTERIAL INFECTION SYNDROME; MONOCYTOPENIA WITH SUSCEPTIBILITY TO MYCOBACTERIAL, FUNGAL, AND PAPILLOMAVIRUS INFECTIONS AND MYELODYSPLASIA; COMBINED IMMUNODEFICIENCY WITH SUSCEPTIBILITY TO MYCOBACTERIAL, VIRAL, AND FUNGAL INFECTIONS; Dendritic cell, monocyte, B lymphocyte, and natural killer lymphocyte deficiency; IMMUNODEFICIENCY 21. Identifiers: Orphanet 228423, MedGen C3280030, MONDO:0013607, OMIM 614172.

Allele frequency attached by ClinVar (database versions not stated): ExAC 0.00004.
gnomAD v4.1: 2 of 1,600,850 alleles (0.00012%); highest among the groups gnomAD compares: Non-Finnish European, 0.00017%; no homozygotes.

Submission:

Labcorp Genetics (formerly Invitae), Labcorp
Classification: Uncertain significance for Monocytopenia with susceptibility to infections; Deafness-lymphedema-leukemia syndrome. Last evaluated: 2023-05-05. Review status: criteria provided, single submitter. Criteria: Invitae Variant Classification Sherloc (09022015). Collection method: clinical testing. Allele origin: germline.
Comment: In summary, the available evidence is currently insufficient to determine the role of this variant in disease. Therefore, it has been classified as a Variant of Uncertain Significance. An algorithm developed to predict the effect of missense changes on protein structure and function (PolyPhen-2) suggests that this variant is likely to be disruptive. This variant has not been reported in the literature in individuals affected with GATA2-related conditions. This variant is present in population databases (rs770940723, gnomAD 0.002%). This sequence change replaces histidine, which is basic and polar, with glutamine, which is neutral and polar, at codon 76 of the GATA2 protein (p.His76Gln).